The following is an entry in ClinVar:

NM_201590.3(CACNB2):c.25C>A (p.Pro9Thr)

Gene: CACNB2 (calcium voltage-gated channel auxiliary subunit beta 2; plus strand). Cytogenetic location: 10p12.32.
Variant type: single nucleotide variant.
Coding change: c.25C>A on transcript NM_201590.3 (MANE Plus Clinical); coding-DNA position 25, C replaced by A.
Protein change: p.Pro9Thr; replaces proline 9 with threonine.
Molecular consequence: missense variant. On other transcripts: intron variant (8).
Genome position (GRCh38, 1-based): chr10:18,340,951, C>A. VCF-style: chr10-18340951-C-A. GRCh37 (hg19) VCF-style: chr10-18629880-C-A.
Other names: c.130-60973C>A (NM_201571.4, NM_001167945.2, NM_201572.4); c.214-60973C>A (NM_201596.3, NM_201593.3, NM_201597.3); c.49-60973C>A (NM_000724.4, NM_001330060.2); short protein forms P9T.
Identifiers: ClinVar variation 1793639 (VCV001793639.2), dbSNP rs761564584, ClinGen allele CA376219149.
Genomic context (GRCh38, chr10:18,340,951, plus strand): 5'-TGCTGGAGTGCTGGGCGCACTTGGAATTGGTCTAGCATGCTTGACAGACGCCTTATAGCT[C>A]CTCAAACTAAATACATTATTCCTGGGGTAAGCATACGGGAGAGAAGCCGGCCAGATGCAC-3'
Protein context (NP_963884.2, residues 1-19): MLDRRLIA[Pro9Thr]QTKYIIPGGS

ClinVar aggregate classification (germline): Uncertain significance (1 of 4 stars; one submission).

Conditions:
Cardiovascular phenotype. Identifiers: MedGen CN230736.

gnomAD v4.1: 3 of 1,613,998 alleles (0.00019%); highest among the groups gnomAD compares: African/African-American, 0.0027%; no homozygotes.

Submission:

Ambry Genetics
Classification: Uncertain significance for Cardiovascular phenotype. Last evaluated: 2019-06-27. Review status: criteria provided, single submitter. Criteria: Ambry Variant Classification Scheme 2023. Collection method: clinical testing. Allele origin: germline.
Comment: The p.P9T variant (also known as c.25C>A), located in coding exon 1 of the CACNB2 gene, results from a C to A substitution at nucleotide position 25. The proline at codon 9 is replaced by threonine, an amino acid with highly similar properties. This amino acid position is well conserved in available vertebrate species. In addition, this alteration is predicted to be tolerated by in silico analysis. Since supporting evidence is limited at this time, the clinical significance of this alteration remains unclear.